The following is an entry in ClinVar:

ClinVar aggregate classification (germline): Uncertain significance (1 of 4 stars; one submission).

Conditions:
Neuroblastoma, susceptibility to, 3. Also called: ALK-Related Neuroblastic Tumor Susceptibility. Identifiers: Orphanet 635, MedGen C2751681, MONDO:0013083, OMIM 613014.

Submission:

Labcorp Genetics (formerly Invitae), Labcorp
Classification: Uncertain significance for Neuroblastoma, susceptibility to, 3. Last evaluated: 2021-10-16. Review status: criteria provided, single submitter. Criteria: Invitae Variant Classification Sherloc (09022015). Collection method: clinical testing. Allele origin: germline.
Comment: This variant is not present in population databases (ExAC no frequency). This sequence change replaces threonine with alanine at codon 1307 of the ALK protein (p.Thr1307Ala). The threonine residue is highly conserved and there is a small physicochemical difference between threonine and alanine. This variant has not been reported in the literature in individuals affected with ALK-related conditions. In summary, the available evidence is currently insufficient to determine the role of this variant in disease. Therefore, it has been classified as a Variant of Uncertain Significance. Algorithms developed to predict the effect of missense changes on protein structure and function (SIFT, PolyPhen-2, Align-GVGD) all suggest that this variant is likely to be disruptive.

NM_004304.5(ALK):c.3919A>G (p.Thr1307Ala)

Gene: ALK (ALK receptor tyrosine kinase; minus strand). Cytogenetic location: 2p23.2.
Variant type: single nucleotide variant.
Coding change: c.3919A>G on transcript NM_004304.5 (MANE Select); coding-DNA position 3919, A replaced by G.
Protein change: p.Thr1307Ala; replaces threonine 1307 with alanine.
Molecular consequence: missense variant.
Genome position (GRCh38, 1-based): chr2:29,207,190, T>C on the plus strand (A>G on the coding strand, the complement: ALK is on the minus strand). VCF-style: chr2-29207190-T-C. GRCh37 (hg19) VCF-style: chr2-29430056-T-C.
Other names: c.715A>G, p.Thr239Ala (NM_001353765.2); short protein forms T239A, T1307A.
Identifiers: ClinVar variation 1522368 (VCV001522368.6), dbSNP rs1669333746, ClinGen allele CA346468534.